The following is an entry in ClinVar:

NM_000303.3(PMM2):c.93C>A (p.Phe31Leu)

Gene: PMM2 (phosphomannomutase 2; plus strand). Cytogenetic location: 16p13.2.
Variant type: single nucleotide variant.
Coding change: c.93C>A on transcript NM_000303.3 (MANE Select); coding-DNA position 93, C replaced by A.
Protein change: p.Phe31Leu; replaces phenylalanine 31 with leucine.
Molecular consequence: missense variant.
Genome position (GRCh38, 1-based): chr16:8,801,825, C>A. VCF-style: chr16-8801825-C-A. GRCh37 (hg19) VCF-style: chr16-8895682-C-A.
Other names: short protein forms F31L.
Identifiers: ClinVar variation 3581380 (VCV003581380.2).

ClinVar aggregate classification (germline): Pathogenic/Likely pathogenic. Review status: criteria provided, multiple submitters, no conflicts (2 of 4 stars). 2 submissions from 2 submitters: Pathogenic (1); Likely pathogenic (1). Last evaluated 2025-02-25.

Conditions:
PMM2-congenital disorder of glycosylation. Also called: CDG Ia; JAEKEN SYNDROME; PHOSPHOMANNOMUTASE 2 DEFICIENCY; CARBOHYDRATE-DEFICIENT GLYCOPROTEIN SYNDROME, TYPE Ia; PMM2-CDG; Congenital disorder of glycosylation, type Ia. Identifiers: Orphanet 79318, MedGen C0349653, MONDO:0008907, OMIM 212065.

gnomAD v4.1: 12 of 1,610,470 alleles (0.00075%); highest among the groups gnomAD compares: Non-Finnish European, 0.001%; no homozygotes.

Submissions (2):

Labcorp Genetics (formerly Invitae), Labcorp
Classification: Pathogenic for PMM2-congenital disorder of glycosylation. Last evaluated: 2025-02-25. Review status: criteria provided, single submitter. Criteria: Invitae Variant Classification Sherloc (09022015). Collection method: clinical testing. Allele origin: germline.
Comment: This sequence change replaces phenylalanine, which is neutral and non-polar, with leucine, which is neutral and non-polar, at codon 31 of the PMM2 protein (p.Phe31Leu). This variant is present in population databases (rs61730638, gnomAD 0.002%). A different variant (c.91T>C) giving rise to the same protein effect has been determined to be pathogenic (PMID: 28122681). This suggests that this variant is also likely to be causative of disease. ClinVar contains an entry for this variant (Variation ID: 3581380). Invitae Evidence Modeling of protein sequence and biophysical properties (such as structural, functional, and spatial information, amino acid conservation, physicochemical variation, residue mobility, and thermodynamic stability) indicates that this missense variant is expected to disrupt PMM2 protein function with a positive predictive value of 95%. For these reasons, this variant has been classified as Pathogenic.

Fulgent Genetics
Classification: Likely pathogenic for PMM2-congenital disorder of glycosylation. Last evaluated: 2024-04-25. Review status: criteria provided, single submitter. Criteria: ACMG Guidelines, 2015. Collection method: clinical testing. Allele origin: germline.

Literature cited by the submitters: PubMed 28122681 (cited by Labcorp Genetics (formerly Invitae), Labcorp).